The following is an entry in ClinVar:

ClinVar aggregate classification (germline): Likely pathogenic (1 of 4 stars; one submission).

Conditions:
Neurodevelopmental disorder with coarse facies and mild distal skeletal abnormalities. Also called: STOLERMAN NEURODEVELOPMENTAL SYNDROME. Identifiers: MedGen C5193134, MONDO:0032790, OMIM 618505.

Submission:

Dubai Health Genomic Medicine Center, Dubai Health
Classification: Likely pathogenic for Neurodevelopmental disorder with coarse facies and mild distal skeletal abnormalities. Last evaluated: 2024-10-04. Review status: criteria provided, single submitter. Criteria: ACMG Guidelines, 2015. Collection method: research. Allele origin: germline. Affected: yes.
Comment: PVS1,PM2,PM6

NM_001348716.2(KDM6B):c.974del (p.Pro325fs)

Gene: KDM6B (lysine demethylase 6B; plus strand). Cytogenetic location: 17p13.1.
Variant type: Deletion.
Coding change: c.974del on transcript NM_001348716.2 (MANE Select); coding-DNA position 974, one base deleted (C; older notation c.974delC).
Protein change: p.Pro325fs; shifts the reading frame from proline 325.
Molecular consequence: frameshift variant.
Genome position (GRCh38, 1-based): chr17:7,847,169, C deleted; the last of 6 consecutive C bases (chr17:7,847,164-7,847,169); deleting any one gives the same sequence. VCF-style (leftmost placement, unchanged base first): chr17-7847163-AC-A. GRCh37 (hg19) VCF-style: chr17-7750481-AC-A.
Other names: c.974del, p.Pro325fs (NM_001080424.2); short protein forms P325fs.
Identifiers: ClinVar variation 3384026 (VCV003384026.1).